The following is an entry in ClinVar:

NM_203446.3(SYNJ1):c.-78C>T

Gene: SYNJ1 (synaptojanin 1; minus strand). Cytogenetic location: 21q22.11.
Variant type: single nucleotide variant.
Coding change: c.-78C>T on transcript NM_203446.3 (MANE Select); 78 bases upstream of the start codon, C replaced by T.
Molecular consequence: 5 prime UTR variant. On other transcripts: missense variant (1).
Genome position (GRCh38, 1-based): chr21:32,728,001, G>A on the plus strand (C>T on the coding strand, the complement: SYNJ1 is on the minus strand). VCF-style: chr21-32728001-G-A. GRCh37 (hg19) VCF-style: chr21-34100312-G-A.
Other names: c.40C>T, p.Pro14Ser (NM_003895.4); short protein forms P14S.
Identifiers: ClinVar variation 1467507 (VCV001467507.6), dbSNP rs1441295192, ClinGen allele CA410078817.

ClinVar aggregate classification (germline): Uncertain significance (1 of 4 stars; one submission).

Conditions:
Developmental and epileptic encephalopathy, 53. Also called: Epileptic encephalopathy, early infantile, 53. Identifiers: MedGen C4479313, MONDO:0033362, OMIM 617389.
Early-onset Parkinson disease 20. Also called: PARKINSON DISEASE 20, AUTOSOMAL RECESSIVE EARLY-ONSET. Identifiers: Orphanet 391411, MedGen C3809824, MONDO:0014233, OMIM 615530.

Allele frequency attached by ClinVar (database versions not stated): TOPMed below 0.00001.

Submission:

Labcorp Genetics (formerly Invitae), Labcorp
Classification: Uncertain significance for Developmental and epileptic encephalopathy, 53; Early-onset Parkinson disease 20. Last evaluated: 2022-03-18. Review status: criteria provided, single submitter. Criteria: Invitae Variant Classification Sherloc (09022015). Collection method: clinical testing. Allele origin: germline.
Comment: This sequence change replaces proline, which is neutral and non-polar, with serine, which is neutral and polar, at codon 14 of the SYNJ1 protein (p.Pro14Ser). This variant is not present in population databases (gnomAD no frequency). This variant has not been reported in the literature in individuals affected with SYNJ1-related conditions. Algorithms developed to predict the effect of missense changes on protein structure and function output the following: SIFT: "Deleterious"; PolyPhen-2: "Benign"; Align-GVGD: "Class C0". The serine amino acid residue is found in multiple mammalian species, which suggests that this missense change does not adversely affect protein function. In summary, the available evidence is currently insufficient to determine the role of this variant in disease. Therefore, it has been classified as a Variant of Uncertain Significance.